The following is an entry in ClinVar:

NM_000059.4(BRCA2):c.6644A>G (p.Tyr2215Cys)

Gene: BRCA2 (BRCA2 DNA repair associated; plus strand). Cytogenetic location: 13q13.1.
Variant type: single nucleotide variant.
Coding change: c.6644A>G on transcript NM_000059.4 (MANE Select); coding-DNA position 6644, A replaced by G.
Protein change: p.Tyr2215Cys; replaces tyrosine 2215 with cysteine.
Molecular consequence: missense variant.
Genome position (GRCh38, 1-based): chr13:32,340,999, A>G. VCF-style: chr13-32340999-A-G. GRCh37 (hg19) VCF-style: chr13-32915136-A-G.
Other names: short protein forms Y2215C.
Identifiers: ClinVar variation 993209 (VCV000993209.8), dbSNP rs753615126, ClinGen allele CA6940972.

ClinVar aggregate classification (germline): Conflicting classifications of pathogenicity. Review status: criteria provided, conflicting classifications (1 of 4 stars). 4 submissions from 4 submitters: Uncertain significance (3); Likely benign (1). Last evaluated 2025-05-18.

Conditions:
Hereditary cancer-predisposing syndrome. Also called: Neoplastic Syndromes, Hereditary; Hereditary Cancer Syndrome; Tumor predisposition; Hereditary neoplastic syndrome. Identifiers: Orphanet 140162, MedGen C0027672, MeSH D009386, MONDO:0015356.
Hereditary breast ovarian cancer syndrome. Also called: Hereditary breast and ovarian cancer; Hereditary breast and ovarian cancer syndrome; Breast and ovarian cancer; BRCA1- and BRCA2-Associated Hereditary Breast and Ovarian Cancer; Hereditary breast and/or ovarian cancer syndrome; Hereditary breast and ovarian cancer syndrome (HBOC). Identifiers: Orphanet 145, MedGen C0677776, MeSH D061325, MONDO:0003582. Disease mechanism: loss of function.

Allele frequency attached by ClinVar (database versions not stated): gnomAD exomes below 0.00001; ExAC 0.00001.
gnomAD v4.1: 1 of 1,612,222 alleles (0.000062%); highest among the groups gnomAD compares: South Asian, 0.0011%; no homozygotes.

Submissions (4):

Labcorp Genetics (formerly Invitae), Labcorp
Classification: Uncertain significance for Hereditary breast ovarian cancer syndrome. Last evaluated: 2025-05-18. Review status: criteria provided, single submitter. Criteria: Invitae Variant Classification Sherloc (09022015). Collection method: clinical testing. Allele origin: germline.
Comment: This sequence change replaces tyrosine, which is neutral and polar, with cysteine, which is neutral and slightly polar, at codon 2215 of the BRCA2 protein (p.Tyr2215Cys). This variant is present in population databases (rs753615126, gnomAD 0.003%). This variant has not been reported in the literature in individuals affected with BRCA2-related conditions. ClinVar contains an entry for this variant (Variation ID: 993209). Invitae Evidence Modeling of protein sequence and biophysical properties (such as structural, functional, and spatial information, amino acid conservation, physicochemical variation, residue mobility, and thermodynamic stability) indicates that this missense variant is not expected to disrupt BRCA2 protein function with a negative predictive value of 95%. In summary, the available evidence is currently insufficient to determine the role of this variant in disease. Therefore, it has been classified as a Variant of Uncertain Significance.

University of Washington Department of Laboratory Medicine, University of Washington
Classification: Likely benign for Hereditary cancer-predisposing syndrome. Last evaluated: 2023-03-23. Review status: criteria provided, single submitter. Criteria: Dines et al. (Genet Med. 2020). Collection method: curation. Allele origin: germline.
Comment: Missense variant in a coldspot region where missense variants are very unlikely to be pathogenic (PMID:31911673).

BRCA2 exon 11 coldspot. Reclassification based on statistical prior probability.

Quest Diagnostics Nichols Institute San Juan Capistrano
Classification: Uncertain significance. Last evaluated: 2020-03-26. Review status: criteria provided, single submitter. Criteria: Quest Diagnostics criteria. Collection method: clinical testing. Allele origin: unknown.

Ambry Genetics
Classification: Uncertain significance for Hereditary cancer-predisposing syndrome. Last evaluated: 2019-09-27. Review status: criteria provided, single submitter. Criteria: Ambry Variant Classification Scheme 2023. Collection method: clinical testing. Allele origin: germline.
Comment: The p.Y2215C variant (also known as c.6644A>G), located in coding exon 10 of the BRCA2 gene, results from an A to G substitution at nucleotide position 6644. The tyrosine at codon 2215 is replaced by cysteine, an amino acid with highly dissimilar properties. This amino acid position is not well conserved in available vertebrate species. In addition, the in silico prediction for this alteration is inconclusive. Since supporting evidence is limited at this time, the clinical significance of this alteration remains unclear.